The following is an entry in ClinVar:

NM_001374259.2(IL12RB2):c.656T>C (p.Leu219Ser)

Gene: IL12RB2 (interleukin 12 receptor subunit beta 2; plus strand). Cytogenetic location: 1p31.3.
Variant type: single nucleotide variant.
Coding change: c.656T>C on transcript NM_001374259.2 (MANE Select); coding-DNA position 656, T replaced by C.
Protein change: p.Leu219Ser; replaces leucine 219 with serine.
Molecular consequence: missense variant. On other transcripts: non-coding transcript variant (2).
Genome position (GRCh38, 1-based): chr1:67,328,376, T>C. VCF-style: chr1-67328376-T-C. GRCh37 (hg19) VCF-style: chr1-67794059-T-C.
Other names: c.656T>C, p.Leu219Ser (NM_001559.3, NM_001258214.1, NM_001258215.1 and 2 more transcripts); short protein forms L219S.
Identifiers: ClinVar variation 3714137 (VCV003714137.2).

ClinVar aggregate classification (germline): Uncertain significance (1 of 4 stars; one submission).

gnomAD v4.1: 22 of 1,614,074 alleles (0.0014%); highest among the groups gnomAD compares: Non-Finnish European, 0.0019%; no homozygotes.

Submission:

Labcorp Genetics (formerly Invitae), Labcorp
Classification: Uncertain significance. Last evaluated: 2024-08-21. Review status: criteria provided, single submitter. Criteria: Invitae Variant Classification Sherloc (09022015). Collection method: clinical testing. Allele origin: germline.
Comment: This sequence change replaces leucine, which is neutral and non-polar, with serine, which is neutral and polar, at codon 219 of the IL12RB2 protein (p.Leu219Ser). This variant is not present in population databases (gnomAD no frequency). This variant has not been reported in the literature in individuals affected with IL12RB2-related conditions. An algorithm developed to predict the effect of missense changes on protein structure and function (PolyPhen-2) suggests that this variant is likely to be disruptive. In summary, the available evidence is currently insufficient to determine the role of this variant in disease. Therefore, it has been classified as a Variant of Uncertain Significance.